The following is an entry in ClinVar:

ClinVar aggregate classification (germline): Uncertain significance (1 of 4 stars; one submission).

Conditions:
Congenital myasthenic syndrome 8. Also called: Myasthenic syndrome, congenital, 8, with pre- and postsynaptic defects; MYASTHENIC SYNDROME, CONGENITAL, DUE TO AGRIN DEFICIENCY. Identifiers: Orphanet 590, MedGen C3808739, MONDO:0014052, OMIM 615120.

Allele frequency attached by ClinVar (database versions not stated): gnomAD exomes below 0.00001 and 0.00002; ExAC 0.00001; gnomAD 0.00001; TOPMed 0.00001.
gnomAD v4.1: 35 of 1,610,420 alleles (0.0022%); highest among the groups gnomAD compares: Non-Finnish European, 0.0028%; no homozygotes.

Submission:

Labcorp Genetics (formerly Invitae), Labcorp
Classification: Uncertain significance for Congenital myasthenic syndrome 8. Last evaluated: 2023-05-15. Review status: criteria provided, single submitter. Criteria: Invitae Variant Classification Sherloc (09022015). Collection method: clinical testing. Allele origin: germline.
Comment: In summary, the available evidence is currently insufficient to determine the role of this variant in disease. Therefore, it has been classified as a Variant of Uncertain Significance. An algorithm developed to predict the effect of missense changes on protein structure and function (PolyPhen-2) suggests that this variant is likely to be disruptive. ClinVar contains an entry for this variant (Variation ID: 657626). This variant has not been reported in the literature in individuals affected with AGRN-related conditions. This variant is present in population databases (rs764238368, gnomAD 0.004%). This sequence change replaces proline, which is neutral and non-polar, with leucine, which is neutral and non-polar, at codon 1616 of the AGRN protein (p.Pro1616Leu).

NM_198576.4(AGRN):c.4847C>T (p.Pro1616Leu)

Gene: AGRN (agrin; plus strand). Cytogenetic location: 1p36.33.
Variant type: single nucleotide variant.
Coding change: c.4847C>T on transcript NM_198576.4 (MANE Select); coding-DNA position 4847, C replaced by T.
Protein change: p.Pro1616Leu; replaces proline 1616 with leucine.
Molecular consequence: missense variant.
Genome position (GRCh38, 1-based): chr1:1,050,005, C>T. VCF-style: chr1-1050005-C-T. GRCh37 (hg19) VCF-style: chr1-985385-C-T.
Other names: c.4847C>T, p.Pro1616Leu (NM_001305275.2); c.4532C>T, p.Pro1511Leu (NM_001364727.2); short protein forms P1511L, P1616L.
Identifiers: ClinVar variation 657626 (VCV000657626.8), dbSNP rs764238368, ClinGen allele CA509660.